The following is an entry in ClinVar:

NM_000059.4(BRCA2):c.3464C>A (p.Thr1155Asn)

Gene: BRCA2 (BRCA2 DNA repair associated; plus strand). Cytogenetic location: 13q13.1.
Variant type: single nucleotide variant.
Coding change: c.3464C>A on transcript NM_000059.4 (MANE Select); coding-DNA position 3464, C replaced by A.
Protein change: p.Thr1155Asn; replaces threonine 1155 with asparagine.
Molecular consequence: missense variant. On other transcripts: non-coding transcript variant (1), intron variant (2).
Genome position (GRCh38, 1-based): chr13:32,337,819, C>A. VCF-style: chr13-32337819-C-A. GRCh37 (hg19) VCF-style: chr13-32911956-C-A.
Other names: c.3464C>A, p.Thr1155Asn (NM_001406719.1, NM_001406720.1, NM_001432077.1); c.1909+4432C>A (NM_001406721.1); c.425-6739C>A (NM_001406722.1); short protein forms T1155N.
Identifiers: ClinVar variation 3636457 (VCV003636457.2).

ClinVar aggregate classification (germline): Uncertain significance (1 of 4 stars; one submission).

Conditions:
Hereditary breast ovarian cancer syndrome. Also called: Hereditary breast and ovarian cancer syndrome; Hereditary breast and ovarian cancer syndrome (HBOC); BRCA1- and BRCA2-Associated Hereditary Breast and Ovarian Cancer; Hereditary breast and ovarian cancer; Breast and ovarian cancer; Hereditary breast and/or ovarian cancer syndrome. Identifiers: Orphanet 145, MedGen C0677776, MeSH D061325, MONDO:0003582. Disease mechanism: loss of function.

Submission:

Labcorp Genetics (formerly Invitae), Labcorp
Classification: Uncertain significance for Hereditary breast ovarian cancer syndrome. Last evaluated: 2024-02-24. Review status: criteria provided, single submitter. Criteria: Invitae Variant Classification Sherloc (09022015). Collection method: clinical testing. Allele origin: germline.
Comment: This sequence change replaces threonine, which is neutral and polar, with asparagine, which is neutral and polar, at codon 1155 of the BRCA2 protein (p.Thr1155Asn). This variant is not present in population databases (gnomAD no frequency). This variant has not been reported in the literature in individuals affected with BRCA2-related conditions. Advanced modeling of protein sequence and biophysical properties (such as structural, functional, and spatial information, amino acid conservation, physicochemical variation, residue mobility, and thermodynamic stability) performed at Invitae indicates that this missense variant is not expected to disrupt BRCA2 protein function with a negative predictive value of 95%. In summary, the available evidence is currently insufficient to determine the role of this variant in disease. Therefore, it has been classified as a Variant of Uncertain Significance.